The following is an entry in ClinVar:

NM_001987.5(ETV6):c.791G>C (p.Arg264Pro)

Gene: ETV6 (ETS variant transcription factor 6; plus strand). Cytogenetic location: 12p13.2.
Variant type: single nucleotide variant.
Coding change: c.791G>C on transcript NM_001987.5 (MANE Select); coding-DNA position 791, G replaced by C.
Protein change: p.Arg264Pro; replaces arginine 264 with proline.
Molecular consequence: missense variant.
Genome position (GRCh38, 1-based): chr12:11,869,751, G>C. VCF-style: chr12-11869751-G-C. GRCh37 (hg19) VCF-style: chr12-12022685-G-C.
Other names: c.788G>C, p.Arg263Pro (NM_001413913.1); c.764G>C, p.Arg255Pro (NM_001413914.1); c.527G>C, p.Arg176Pro (NM_001413915.1); c.791G>C, p.Arg264Pro (NM_001413916.1, NM_001413917.1); short protein forms R176P, R255P, R263P, R264P.
Identifiers: ClinVar variation 3363974 (VCV003363974.2).

ClinVar aggregate classification (germline): Uncertain significance. Review status: criteria provided, multiple submitters, no conflicts (2 of 4 stars). 2 submissions from 2 submitters: Uncertain significance (2). Last evaluated 2025-06-18.

Conditions:
Inborn genetic diseases. Identifiers: MedGen C0950123, MeSH D030342.

Submissions (2):

Ambry Genetics
Classification: Uncertain significance for Inborn genetic diseases. Last evaluated: 2025-06-18. Review status: criteria provided, single submitter. Criteria: Ambry Variant Classification Scheme 2023. Collection method: clinical testing. Allele origin: germline.
Comment: The p.R264P variant (also known as c.791G>C), located in coding exon 5 of the ETV6 gene, results from a G to C substitution at nucleotide position 791. The arginine at codon 264 is replaced by proline, an amino acid with dissimilar properties. This amino acid position is conserved. In addition, the in silico prediction for this alteration is inconclusive. Based on the available evidence, the clinical significance of this variant remains unclear.

GeneDx
Classification: Uncertain significance. Last evaluated: 2023-11-07. Review status: criteria provided, single submitter. Criteria: GeneDx Variant Classification Process June 2021. Collection method: clinical testing. Allele origin: germline. Affected: yes.
Comment: Not observed at significant frequency in large population cohorts (gnomAD); In silico analysis supports that this missense variant does not alter protein structure/function; Has not been previously published as pathogenic or benign to our knowledge; This variant is associated with the following publications: (PMID: 28555414, 28637624)